The following is an entry in ClinVar:

NM_001378454.1(ALMS1):c.4289C>T (p.Ser1430Leu)

Gene: ALMS1 (ALMS1 centrosome and basal body associated protein; plus strand). Cytogenetic location: 2p13.1.
Variant type: single nucleotide variant.
Coding change: c.4289C>T on transcript NM_001378454.1 (MANE Select); coding-DNA position 4289, C replaced by T.
Protein change: p.Ser1430Leu; replaces serine 1430 with leucine.
Molecular consequence: missense variant.
Genome position (GRCh38, 1-based): chr2:73,450,816, C>T. VCF-style: chr2-73450816-C-T. GRCh37 (hg19) VCF-style: chr2-73677943-C-T.
Other names: c.4292C>T, p.Ser1431Leu (NM_015120.4); short protein forms S1431L, S1430L.
Identifiers: ClinVar variation 1739451 (VCV001739451.2), dbSNP rs1209785116, ClinGen allele CA347278006.

ClinVar aggregate classification (germline): Uncertain significance (1 of 4 stars; one submission).

Conditions:
Cardiovascular phenotype. Identifiers: MedGen CN230736.

Allele frequency attached by ClinVar (database versions not stated): gnomAD exomes below 0.00001.
gnomAD v4.1: 2 of 1,613,998 alleles (0.00012%); highest among the groups gnomAD compares: South Asian, 0.0022%; no homozygotes.

Submission:

Ambry Genetics
Classification: Uncertain significance for Cardiovascular phenotype. Last evaluated: 2021-09-29. Review status: criteria provided, single submitter. Criteria: Ambry Variant Classification Scheme 2023. Collection method: clinical testing. Allele origin: germline.
Comment: The p.S1431L variant (also known as c.4292C>T), located in coding exon 8 of the ALMS1 gene, results from a C to T substitution at nucleotide position 4292. The serine at codon 1431 is replaced by leucine, an amino acid with dissimilar properties. This amino acid position is not well conserved in available vertebrate species. In addition, this alteration is predicted to be tolerated by in silico analysis. Since supporting evidence is limited at this time, the clinical significance of this alteration remains unclear.